The following is an entry in ClinVar:

NM_138694.4(PKHD1):c.[2165C>T;7438A>T]

Variant type: Haplotype.
Identifiers: ClinVar variation 3769639 (VCV003769639.1).

ClinVar aggregate classification (germline): Likely pathogenic (1 of 4 stars; one submission).

Conditions:
Polycystic kidney disease 4 (PKD4). Also called: Autosomal Recessive Polycystic Kidney Disease – PKHD1; POLYCYSTIC KIDNEY DISEASE 4 WITH OR WITHOUT POLYCYSTIC LIVER DISEASE; PKD3; POLYCYSTIC KIDNEY AND HEPATIC DISEASE 1; POLYCYSTIC KIDNEY DISEASE, INFANTILE, TYPE I. Identifiers: MedGen C4540575, MONDO:0033004, OMIM 263200.

Submission:

Laboratorio Biología Molecular, Sanatorio Americano
Classification: Likely pathogenic for Polycystic kidney disease 4. Last evaluated: 2025-01-01. Review status: criteria provided, single submitter. Criteria: ACMG Guidelines, 2015. Collection method: clinical testing. Allele origin: germline. Inheritance: Autosomal recessive inheritance. Affected: yes. Observed: 2 variant alleles, 2 compound heterozygotes.
Comment: The frequency of this haplotype is extremely low on population frequency databases (based on probability of occurrence if it really occurs on databases). We classify this haplotype as probably pathogenic.